The following is an entry in ClinVar:

ClinVar aggregate classification (germline): Uncertain significance (1 of 4 stars; one submission).

gnomAD v4.1: 38 of 1,611,486 alleles (0.0024%); highest among the groups gnomAD compares: Admixed American, 0.015%; no homozygotes.

Submission:

Labcorp Genetics (formerly Invitae), Labcorp
Classification: Uncertain significance. Last evaluated: 2024-08-01. Review status: criteria provided, single submitter. Criteria: Invitae Variant Classification Sherloc (09022015). Collection method: clinical testing. Allele origin: germline.
Comment: This sequence change replaces alanine, which is neutral and non-polar, with threonine, which is neutral and polar, at codon 4 of the FLRT3 protein (p.Ala4Thr). This variant is present in population databases (rs142379846, gnomAD 0.02%). This variant has not been reported in the literature in individuals affected with FLRT3-related conditions. An algorithm developed to predict the effect of missense changes on protein structure and function (PolyPhen-2) suggests that this variant is likely to be tolerated. In summary, the available evidence is currently insufficient to determine the role of this variant in disease. Therefore, it has been classified as a Variant of Uncertain Significance.

NM_198391.3(FLRT3):c.10G>A (p.Ala4Thr)

Genes: MACROD2 (mono-ADP ribosylhydrolase 2; plus strand), FLRT3 (fibronectin leucine rich transmembrane protein 3; minus strand). Cytogenetic location: 20p12.1.
Variant type: single nucleotide variant.
Coding change: c.10G>A on transcript NM_198391.3 (MANE Select); coding-DNA position 10, G replaced by A.
Protein change: p.Ala4Thr; replaces alanine 4 with threonine.
Molecular consequence: missense variant. On other transcripts: intron variant (3).
Genome position (GRCh38, 1-based): chr20:14,327,497, C>T on the plus strand (G>A on the coding strand, the complement: FLRT3 is on the minus strand). VCF-style: chr20-14327497-C-T. GRCh37 (hg19) VCF-style: chr20-14308143-C-T.
Other names: c.10G>A, p.Ala4Thr (NM_013281.4); c.272-165982C>T (NM_001351661.2, NM_001351663.2, NM_080676.6); short protein forms A4T.
Identifiers: ClinVar variation 3713175 (VCV003713175.2).
Genomic context (GRCh38, chr20:14,327,497, plus strand): 5'-GAGGTGCTACTTGAAGGAACAGCCCAATTTTAGTCCCGATGAGGAAGATGCTCCAGGCTG[C>T]GCTGATCATGGTCAGCAGTGTTGAGGTCTTTATACAAGGTAGCTTCCGTTACTTCAGAAC-3'
Protein context (NP_938205.1, residues 1-14): MIS[Ala4Thr]AWSIFLIGTK